The following is an entry in ClinVar:

NM_000059.4(BRCA2):c.7356_7375delinsAACAGTTTAAC (p.Asn2452_Lys2459delinsLysThrValTer)

Gene: BRCA2 (BRCA2 DNA repair associated; plus strand). Cytogenetic location: 13q13.1.
Variant type: Indel.
Coding change: c.7356_7375delinsAACAGTTTAAC on transcript NM_000059.4 (MANE Select); coding-DNA positions 7356 to 7375, TGAGATTCATCAGTTTAACA replaced by AACAGTTTAAC.
Protein change: p.Asn2452_Lys2459delinsLysThrValTer.
Molecular consequence: nonsense.
Genome position (GRCh38, 1-based): chr13:32,355,209-32,355,228, TGAGATTCATCAGTTTAACA replaced by AACAGTTTAAC. VCF-style: chr13-32355209-TGAGATTCATCAGTTTAACA-AACAGTTTAAC. GRCh37 (hg19) VCF-style: chr13-32929346-TGAGATTCATCAGTTTAACA-AACAGTTTAAC.
Other names: c.7260_7279del20insAACAGTTTAAC, p.Asn2420_Gly2761delinsLysThrValTer (NM_001406719.1); c.7356_7375del20insAACAGTTTAAC, p.Asn2452_Gly2793delinsLysThrValTer (NM_001406720.1); c.2424_2443del20insAACAGTTTAAC, p.Asn808_Gly1149delinsLysThrValTer (NM_001406721.1); c.939_958del20insAACAGTTTAAC, p.Asn313_Gly654delinsLysThrValTer (NM_001406722.1).
Identifiers: ClinVar variation 1758471 (VCV001758471.3), dbSNP rs2548540608, ClinGen allele CA2580087437.
Genomic context (GRCh38, chr13:32,355,209, plus strand): 5'-ACAAAAGCAAAACATTGATGGACATGGCTCTGATGATAGTAAAAATAAGATTAATGACAA[TGAGATTCATCAGTTTAACA>AACAGTTTAAC]AAAACAACTCCAATCAAGCAGTAGCTGTAACTTTCACAAAGTGTGAAGAAGAACCTTTAG-3'

ClinVar aggregate classification (germline): Pathogenic. Review status: criteria provided, multiple submitters, no conflicts (2 of 4 stars). 2 submissions from 2 submitters: Pathogenic (2). Last evaluated 2023-01-17.

Conditions:
Hereditary cancer-predisposing syndrome. Also called: Neoplastic Syndromes, Hereditary; Tumor predisposition; Hereditary neoplastic syndrome; Hereditary Cancer Syndrome. Identifiers: Orphanet 140162, MedGen C0027672, MeSH D009386, MONDO:0015356.
Breast-ovarian cancer, familial, susceptibility to, 2 (BROVCA2). Also called: BRCA2 Hereditary Breast and Ovarian Cancer. Identifiers: Orphanet 145, MedGen C2675520, MONDO:0012933, OMIM 612555. Disease mechanism: loss of function.

Submissions (2):

Myriad Genetics, Inc.
Classification: Pathogenic for Breast-ovarian cancer, familial, susceptibility to, 2. Last evaluated: 2023-01-17. Review status: criteria provided, single submitter. Criteria: Myriad Autosomal Dominant, Autosomal Recessive and X-Linked Classification Criteria (2023). Collection method: clinical testing. Allele origin: unknown.
Comment: This variant is considered pathogenic. This variant creates a termination codon and is predicted to result in premature protein truncation.

Ambry Genetics
Classification: Pathogenic for Hereditary cancer-predisposing syndrome. Last evaluated: 2022-07-20. Review status: criteria provided, single submitter. Criteria: Ambry Variant Classification Scheme 2023. Collection method: clinical testing. Allele origin: germline.
Comment: The c.7356_7375del20ins11 pathogenic mutation, located in coding exon 13 of the BRCA2 gene, results from an in-frame deletion of TGAGATTCATCAGTTTAACA and insertion of AACAGTTTAAC at nucleotide positions 7356 to 7375, which causes a translational frameshift with a predicted alternate stop codon (p.N2452_I3418delinsKTV*). This alteration is expected to result in loss of function by premature protein truncation or nonsense-mediated mRNA decay. As such, this alteration is interpreted as a disease-causing mutation.